The following is an entry in ClinVar:

NM_001039705.3(TRO):c.4188C>T (p.Phe1396=)

Gene: TRO (trophinin; plus strand). Cytogenetic location: Xp11.21.
Variant type: single nucleotide variant.
Coding change: c.4188C>T on transcript NM_001039705.3 (MANE Select); coding-DNA position 4188, C replaced by T.
Protein change: p.Phe1396=; no amino-acid change (phenylalanine 1396 retained).
Molecular consequence: synonymous variant. On other transcripts: non-coding transcript variant (2), intron variant (3).
Genome position (GRCh38, 1-based): chrX:54,930,912, C>T. VCF-style: chrX-54930912-C-T. GRCh37 (hg19) VCF-style: chrX-54957345-C-T.
Other names: c.2781C>T, p.Phe927= (NM_001271183.2); c.2997C>T, p.Phe999= (NM_001271184.2); c.*112C>T (NM_177555.1, NM_177558.1); c.1987-292C>T (NM_016157.4, NM_177556.3); c.796-292C>T (NM_177557.3).
Identifiers: ClinVar variation 2660684 (VCV002660684.24), dbSNP rs750543072, ClinGen allele CA10427537.

ClinVar aggregate classification (germline): Likely benign (1 of 4 stars; one submission).

Allele frequency attached by ClinVar (database versions not stated): TOPMed below 0.00001; ExAC 0.00001; gnomAD 0.00001; gnomAD exomes 0.00001.
gnomAD v4.1: 8 of 1,201,682 alleles (0.00067%); highest among the groups gnomAD compares: Middle Eastern, 0.023%; no homozygotes.

Submission:

CeGaT Center for Human Genetics Tuebingen
Classification: Likely benign. Last evaluated: 2022-03-01. Review status: criteria provided, single submitter. Criteria: CeGaT Center For Human Genetics Tuebingen Variant Classification Criteria Version 2. Collection method: clinical testing. Allele origin: germline. Affected: yes. Observed: 1 variant allele.
Comment: TRO: BP4, BP7